The following is an entry in ClinVar:

ClinVar aggregate classification (germline): Conflicting classifications of pathogenicity. Review status: criteria provided, conflicting classifications (1 of 4 stars). 2 submissions from 2 submitters: Uncertain significance (1); Likely benign (1). Last evaluated 2026-01-24.

Conditions:
Fanconi anemia (FA). Also called: Fanconi's anemia. Identifiers: Orphanet 84, MedGen C0015625, MeSH D005199, MONDO:0019391.

Submissions (2):

Labcorp Genetics (formerly Invitae), Labcorp
Classification: Likely benign for Fanconi anemia. Last evaluated: 2026-01-24. Review status: criteria provided, single submitter. Criteria: Invitae Variant Classification Sherloc (09022015). Collection method: clinical testing. Allele origin: germline.

Quest Diagnostics Nichols Institute San Juan Capistrano
Classification: Uncertain significance. Last evaluated: 2024-01-10. Review status: criteria provided, single submitter. Criteria: Quest Diagnostics criteria. Collection method: clinical testing. Allele origin: unknown.
Comment: The FANCA c.2602-9_2602-8dup variant has not been reported in individuals with FANCA-related conditions in the published literature. It also has not been reported in large, multi-ethnic general populations (Genome Aggregation Database). Analysis of this variant using software algorithms for the prediction of the effect of nucleotide changes on splicing yielded predictions that this variant does not affect FANCA mRNA splicing. Based on the available information, we are unable to determine the clinical significance of this variant.

NM_000135.4(FANCA):c.2602-13CT[4]

Genes: FANCA (FA complementation group A; minus strand), LOC130059837 (ATAC-STARR-seq lymphoblastoid active region 11420; plus strand). Cytogenetic location: 16q24.3.
Variant type: Microsatellite.
Coding change: c.2602-13CT[4] on transcript NM_000135.4 (MANE Select); four copies in a row of the 2-base unit CT starting at c.2602-13; the reference has three copies in a row; one copy, 2 bases duplicated.
Molecular consequence: intron variant.
Genome position (GRCh38, 1-based): chr16:89,765,074-89,765,075, AG duplicated on the plus strand (CT on the coding strand, the reverse complement: FANCA is on the minus strand); duplicating any 2 consecutive bases within chr16:89,765,074-89,765,079 gives the same sequence; the position shown is the placement nearest the transcript's 3' end. VCF-style (leftmost placement, unchanged base first): chr16-89765073-C-CAG. GRCh37 (hg19) VCF-style: chr16-89831481-C-CAG.
Other names: c.2602-13CT[4] (NM_001286167.3).
Identifiers: ClinVar variation 3572411 (VCV003572411.2).